The following is an entry in ClinVar:

ClinVar aggregate classification (germline): Uncertain significance (1 of 4 stars; one submission).

Submission:

GeneDx
Classification: Uncertain significance. Last evaluated: 2022-01-20. Review status: criteria provided, single submitter. Criteria: GeneDx Variant Classification Process June 2021. Collection method: clinical testing. Allele origin: germline. Affected: yes.
Comment: Not observed at significant frequency in large population cohorts (gnomAD); In silico analysis supports that this missense variant has a deleterious effect on protein structure/function; Has not been previously published as pathogenic or benign to our knowledge

NM_001282534.2(KCNK9):c.332T>A (p.Met111Lys)

Gene: KCNK9 (potassium two pore domain channel subfamily K member 9; minus strand). Cytogenetic location: 8q24.3.
Variant type: single nucleotide variant.
Coding change: c.332T>A on transcript NM_001282534.2 (MANE Select); coding-DNA position 332, T replaced by A.
Protein change: p.Met111Lys; replaces methionine 111 with lysine.
Molecular consequence: missense variant. On other transcripts: non-coding transcript variant (1).
Genome position (GRCh38, 1-based): chr8:139,619,051, A>T on the plus strand (T>A on the coding strand, the complement: KCNK9 is on the minus strand). VCF-style: chr8-139619051-A-T. GRCh37 (hg19) VCF-style: chr8-140631294-A-T.
Other names: short protein forms M111K.
Identifiers: ClinVar variation 1698163 (VCV001698163.2), dbSNP rs2130105984, ClinGen allele CA372734869.